The following is an entry in ClinVar:

ClinVar aggregate classification (germline): Uncertain significance (1 of 4 stars; one submission).

gnomAD v4.1: 59 of 1,545,422 alleles (0.0038%); highest among the groups gnomAD compares: African/African-American, 0.0055%; no homozygotes.

Submission:

GeneDx
Classification: Uncertain significance. Last evaluated: 2025-01-27. Review status: criteria provided, single submitter. Criteria: GeneDx Variant Classification Process June 2021. Collection method: clinical testing. Allele origin: germline. Affected: yes.
Comment: In silico analysis indicates that this missense variant does not alter protein structure/function; Has not been previously published as pathogenic or benign to our knowledge

NM_001145026.2(PTPRQ):c.1808C>T (p.Thr603Met)

Gene: PTPRQ (protein tyrosine phosphatase receptor type Q; plus strand). Cytogenetic location: 12q21.31.
Variant type: single nucleotide variant.
Coding change: c.1808C>T on transcript NM_001145026.2 (MANE Select); coding-DNA position 1808, C replaced by T.
Protein change: p.Thr603Met; replaces threonine 603 with methionine.
Molecular consequence: missense variant.
Genome position (GRCh38, 1-based): chr12:80,495,297, C>T. VCF-style: chr12-80495297-C-T. GRCh37 (hg19) VCF-style: chr12-80889076-C-T.
Other names: short protein forms T603M.
Identifiers: ClinVar variation 4071568 (VCV004071568.1).